The following is an entry in ClinVar:

ClinVar aggregate classification (germline): Uncertain significance. Review status: criteria provided, multiple submitters, no conflicts (2 of 4 stars). 4 submissions from 4 submitters: Uncertain significance (4). Last evaluated 2025-09-04.

Conditions:
Hereditary cancer-predisposing syndrome. Also called: Neoplastic Syndromes, Hereditary; Hereditary neoplastic syndrome; Tumor predisposition; Hereditary Cancer Syndrome. Identifiers: Orphanet 140162, MedGen C0027672, MeSH D009386, MONDO:0015356.
Familial cancer of breast. Also called: hereditary breast carcinoma; BREAST CANCER, FAMILIAL; Hereditary breast cancer. Identifiers: Orphanet 227535, MedGen C0346153, MONDO:0016419, OMIM 114480. Disease mechanism: loss of function.

Allele frequency attached by ClinVar (database versions not stated): gnomAD exomes below 0.00001.
gnomAD v4.1: 1 of 1,614,198 alleles (0.000062%); highest among the groups gnomAD compares: Non-Finnish European, 0.000085%; no homozygotes.

Submissions (4):

Labcorp Genetics (formerly Invitae), Labcorp
Classification: Uncertain significance for Familial cancer of breast. Last evaluated: 2025-09-04. Review status: criteria provided, single submitter. Criteria: Invitae Variant Classification Sherloc (09022015). Collection method: clinical testing. Allele origin: germline.
Comment: This sequence change replaces arginine, which is basic and polar, with lysine, which is basic and polar, at codon 794 of the PALB2 protein (p.Arg794Lys). This variant is not present in population databases (gnomAD no frequency). This variant has not been reported in the literature in individuals affected with PALB2-related conditions. ClinVar contains an entry for this variant (Variation ID: 2682035). Invitae Evidence Modeling of protein sequence and biophysical properties (such as structural, functional, and spatial information, amino acid conservation, physicochemical variation, residue mobility, and thermodynamic stability) indicates that this missense variant is not expected to disrupt PALB2 protein function with a negative predictive value of 80%. In summary, the available evidence is currently insufficient to determine the role of this variant in disease. Therefore, it has been classified as a Variant of Uncertain Significance.

Ambry Genetics
Classification: Uncertain significance for Hereditary cancer-predisposing syndrome. Last evaluated: 2025-05-02. Review status: criteria provided, single submitter. Criteria: Ambry Variant Classification Scheme 2023. Collection method: clinical testing. Allele origin: germline.
Comment: The p.R794K variant (also known as c.2381G>A), located in coding exon 5 of the PALB2 gene, results from a G to A substitution at nucleotide position 2381. The arginine at codon 794 is replaced by lysine, an amino acid with highly similar properties. This amino acid position is conserved. In addition, this alteration is predicted to be tolerated by in silico analysis. Based on the available evidence, the clinical significance of this variant remains unclear.

Baylor Genetics
Classification: Uncertain significance for Familial cancer of breast. Last evaluated: 2024-02-16. Review status: criteria provided, single submitter. Criteria: ACMG Guidelines, 2015. Collection method: clinical testing. Allele origin: unknown.

Quest Diagnostics Nichols Institute San Juan Capistrano
Classification: Uncertain significance. Last evaluated: 2023-08-25. Review status: criteria provided, single submitter. Criteria: Quest Diagnostics criteria. Collection method: clinical testing. Allele origin: unknown.
Comment: To the best of our knowledge, this variant has not been reported in the published literature. It also has not been reported in large, multi-ethnic general populations (Genome Aggregation Database). Analysis of this variant using bioinformatics tools for the prediction of the effect of amino acid changes on protein structure and function yielded conflicting predictions that this variant is benign or damaging. Based on the available information, we are unable to determine the clinical significance of this variant.

NM_024675.4(PALB2):c.2381G>A (p.Arg794Lys)

Gene: PALB2 (partner and localizer of BRCA2; minus strand). Cytogenetic location: 16p12.2.
Variant type: single nucleotide variant.
Coding change: c.2381G>A on transcript NM_024675.4 (MANE Select); coding-DNA position 2381, G replaced by A.
Protein change: p.Arg794Lys; replaces arginine 794 with lysine.
Molecular consequence: missense variant. On other transcripts: intron variant (1).
Genome position (GRCh38, 1-based): chr16:23,629,773, C>T on the plus strand (G>A on the coding strand, the complement: PALB2 is on the minus strand). VCF-style: chr16-23629773-C-T. GRCh37 (hg19) VCF-style: chr16-23641094-C-T.
Other names: c.2321G>A, p.Arg774Lys (NM_001407296.1); c.2381G>A, p.Arg794Lys (NM_001407297.1, NM_001407298.1, NM_001407299.1 and 3 more transcripts); c.1496G>A, p.Arg499Lys (NM_001407304.1, NM_001407305.1, NM_001407306.1 and 5 more transcripts); c.593G>A, p.Arg198Lys (NM_001407312.1, NM_001407313.1); c.49-498G>A (NM_001407314.1); short protein forms R198K, R499K, R774K, R794K.
Identifiers: ClinVar variation 2682035 (VCV002682035.4), dbSNP rs2142374327, ClinGen allele CA395124630.